The following is an entry in ClinVar:

ClinVar aggregate classification (germline): Uncertain significance (1 of 4 stars; one submission).

Submission:

GeneDx
Classification: Uncertain significance. Last evaluated: 2025-04-21. Review status: criteria provided, single submitter. Criteria: GeneDx Variant Classification Process June 2021. Collection method: clinical testing. Allele origin: germline. Affected: yes.
Comment: Not observed at significant frequency in large population cohorts (gnomAD); In silico analysis indicates that this missense variant does not alter protein structure/function; Has not been previously published as pathogenic or benign to our knowledge

NM_007118.4(TRIO):c.616C>G (p.Leu206Val)

Gene: TRIO (trio Rho guanine nucleotide exchange factor; plus strand). Cytogenetic location: 5p15.2.
Variant type: single nucleotide variant.
Coding change: c.616C>G on transcript NM_007118.4 (MANE Select); coding-DNA position 616, C replaced by G.
Protein change: p.Leu206Val; replaces leucine 206 with valine.
Molecular consequence: missense variant. On other transcripts: non-coding transcript variant (1).
Genome position (GRCh38, 1-based): chr5:14,290,791, C>G. VCF-style: chr5-14290791-C-G. GRCh37 (hg19) VCF-style: chr5-14290900-C-G.
Other names: short protein forms L206V.
Identifiers: ClinVar variation 4527297 (VCV004527297.1).